The following is an entry in ClinVar:

ClinVar aggregate classification (germline): Uncertain significance (1 of 4 stars; one submission).

Conditions:
Ritscher-Schinzel syndrome 4. Identifiers: MedGen C5561939, MONDO:0030331, OMIM 619435.

Submission:

Juno Genomics, Hangzhou Juno Genomics, Inc
Classification: Uncertain significance for Ritscher-Schinzel syndrome 4. Review status: criteria provided, single submitter. Criteria: ACMG Guidelines, 2015. Collection method: clinical testing. Allele origin: germline. Affected: yes.
Comment: Absent from controls (or at extremely low frequency if recessive) in Genome Aggregation Database, Exome Sequencing Project, 1000 Genomes Project, or Exome Aggregation Consortium.;Multiple lines of computational evidence support a deleterious effect on the gene or gene product (conservation, evolutionary, splicing impact, etc).

NM_020134.4(DPYSL5):c.625G>A (p.Gly209Arg)

Gene: DPYSL5 (dihydropyrimidinase like 5; plus strand). Cytogenetic location: 2p23.3.
Variant type: single nucleotide variant.
Coding change: c.625G>A on transcript NM_020134.4 (MANE Select); coding-DNA position 625, G replaced by A.
Protein change: p.Gly209Arg; replaces glycine 209 with arginine.
Molecular consequence: missense variant.
Genome position (GRCh38, 1-based): chr2:26,928,279, G>A. VCF-style: chr2-26928279-G-A. GRCh37 (hg19) VCF-style: chr2-27151147-G-A.
Other names: c.625G>A, p.Gly209Arg (NM_001253723.2, NM_001253724.2); short protein forms G209R.
Identifiers: ClinVar variation 3382737 (VCV003382737.2).